The following is an entry in ClinVar:

ClinVar aggregate classification (germline): Uncertain significance. Review status: criteria provided, multiple submitters, no conflicts (2 of 4 stars). 2 submissions from 2 submitters: Uncertain significance (2). Last evaluated 2025-12-21.

Conditions:
Charcot-Marie-Tooth disease type 2. Also called: Charcot-Marie-Tooth type 2. Identifiers: Orphanet 64746, MedGen C0270914, MONDO:0018993.

Allele frequency attached by ClinVar (database versions not stated): gnomAD exomes below 0.00001.
gnomAD v4.1: 2 of 1,614,150 alleles (0.00012%); highest among the groups gnomAD compares: African/African-American, 0.0027%; no homozygotes.

Submissions (2):

Ambry Genetics
Classification: Uncertain significance. Last evaluated: 2025-12-21. Review status: criteria provided, single submitter. Criteria: Ambry Variant Classification Scheme 2023. Collection method: clinical testing. Allele origin: germline.
Comment: The p.S921T variant (also known as c.2761T>A), located in coding exon 24 of the KIF1B gene, results from a T to A substitution at nucleotide position 2761. The serine at codon 921 is replaced by threonine, an amino acid with similar properties. This amino acid position is highly conserved in available vertebrate species. In addition, the in silico prediction for this alteration is inconclusive. Since supporting evidence is limited at this time, the clinical significance of this alteration remains unclear.

Labcorp Genetics (formerly Invitae), Labcorp
Classification: Uncertain significance for Charcot-Marie-Tooth disease type 2. Last evaluated: 2023-04-28. Review status: criteria provided, single submitter. Criteria: Invitae Variant Classification Sherloc (09022015). Collection method: clinical testing. Allele origin: germline.
Comment: In summary, the available evidence is currently insufficient to determine the role of this variant in disease. Therefore, it has been classified as a Variant of Uncertain Significance. An algorithm developed to predict the effect of missense changes on protein structure and function (PolyPhen-2) suggests that this variant is likely to be disruptive. ClinVar contains an entry for this variant (Variation ID: 1795703). This variant has not been reported in the literature in individuals affected with KIF1B-related conditions. This variant is not present in population databases (gnomAD no frequency). This sequence change replaces serine, which is neutral and polar, with threonine, which is neutral and polar, at codon 921 of the KIF1B protein (p.Ser921Thr).

NM_001365951.3(KIF1B):c.2899T>A (p.Ser967Thr)

Genes: KIF1B (kinesin family member 1B; plus strand), LOC126805614 (BRD4-independent group 4 enhancer GRCh37_chr1:10385546-10386745; plus strand). Cytogenetic location: 1p36.22.
Variant type: single nucleotide variant.
Coding change: c.2899T>A on transcript NM_001365951.3 (MANE Select); coding-DNA position 2899, T replaced by A.
Protein change: p.Ser967Thr; replaces serine 967 with threonine.
Molecular consequence: missense variant.
Genome position (GRCh38, 1-based): chr1:10,326,334, T>A. VCF-style: chr1-10326334-T-A. GRCh37 (hg19) VCF-style: chr1-10386392-T-A.
Other names: c.2899T>A, p.Ser967Thr (NM_001365952.1); c.2761T>A, p.Ser921Thr (NM_015074.3); short protein forms S921T, S967T.
Identifiers: ClinVar variation 1795703 (VCV001795703.6), dbSNP rs767558208, ClinGen allele CA338337514.